The following is an entry in ClinVar:

ClinVar aggregate classification (germline): Uncertain significance (1 of 4 stars; one submission).

Conditions:
Long QT syndrome (LQTS). Identifiers: MedGen C0023976, MeSH D008133, MONDO:0002442. Disease mechanism: loss of function. Inheritance: Various modes of inheritance.

Allele frequency attached by ClinVar (database versions not stated): gnomAD exomes below 0.00001; ExAC 0.00001; TOPMed 0.00001.
gnomAD v4.1: 3 of 1,613,516 alleles (0.00019%); highest among the groups gnomAD compares: Admixed American, 0.0017%; no homozygotes.

Submission:

Labcorp Genetics (formerly Invitae), Labcorp
Classification: Uncertain significance for Long QT syndrome. Last evaluated: 2023-07-27. Review status: criteria provided, single submitter. Criteria: Invitae Variant Classification Sherloc (09022015). Collection method: clinical testing. Allele origin: germline.
Comment: This sequence change replaces threonine, which is neutral and polar, with methionine, which is neutral and non-polar, at codon 1568 of the CACNA1C protein (p.Thr1568Met). This variant is present in population databases (rs764831817, gnomAD 0.003%). This variant has not been reported in the literature in individuals affected with CACNA1C-related conditions. Advanced modeling of protein sequence and biophysical properties (such as structural, functional, and spatial information, amino acid conservation, physicochemical variation, residue mobility, and thermodynamic stability) performed at Invitae indicates that this missense variant is expected to disrupt CACNA1C protein function. In summary, the available evidence is currently insufficient to determine the role of this variant in disease. Therefore, it has been classified as a Variant of Uncertain Significance.

NM_000719.7(CACNA1C):c.4703C>T (p.Thr1568Met)

Genes: CACNA1C (calcium voltage-gated channel subunit alpha1 C; plus strand), CACNA1C-AS2 (CACNA1C antisense RNA 2; minus strand). Cytogenetic location: 12p13.33.
Variant type: single nucleotide variant.
Coding change: c.4703C>T on transcript NM_000719.7 (MANE Select); coding-DNA position 4703, C replaced by T.
Protein change: p.Thr1568Met; replaces threonine 1568 with methionine.
Molecular consequence: missense variant. On other transcripts: non-coding transcript variant (1).
Genome position (GRCh38, 1-based): chr12:2,669,012, C>T. VCF-style: chr12-2669012-C-T. GRCh37 (hg19) VCF-style: chr12-2778178-C-T.
Other names: c.4847C>T, p.Thr1616Met (NM_001129827.2, NM_199460.4); c.4769C>T, p.Thr1590Met (NM_001129829.2); c.4703C>T, p.Thr1568Met (NM_001129830.3, NM_001129833.2, NM_001129834.2 and 7 more transcripts); c.4787C>T, p.Thr1596Met (NM_001129831.2); c.4763C>T, p.Thr1588Met (NM_001129832.2); c.4754C>T, p.Thr1585Met (NM_001129836.2); c.4670C>T, p.Thr1557Met (NM_001129837.2, NM_001129838.2, NM_001129846.2 and 1 more transcripts); c.4664C>T, p.Thr1555Met (NM_001129839.2); and 1 more; short protein forms T1596M, T1557M, T1585M, T1616M, T1555M, T1565M, T1568M, T1588M.
Identifiers: ClinVar variation 2725619 (VCV002725619.3), dbSNP rs764831817, ClinGen allele CA6389589.
Genomic context (GRCh38, chr12:2,669,012, plus strand): 5'-TGCCTCTGAACAGCGACGGGACAGTCATGTTCAATGCCACCCTGTTTGCCCTGGTCAGGA[C>T]GGCCCTGAGGATCAAAACAGAAGGTAAGGTCGCCCGTGGGCACTGGGAGAGACACTCAGA-3'
Protein context (NP_000710.5, residues 1558-1578): FNATLFALVR[Thr1568Met]ALRIKTEGNL